The following is an entry in ClinVar:

ClinVar aggregate classification (germline): Pathogenic. Review status: criteria provided, single submitter (1 of 4 stars). 2 submissions from 2 submitters: Pathogenic (1). 1 of the submissions does not count toward it. Last evaluated 2024-05-08.

Conditions:
Dihydropyrimidine dehydrogenase deficiency (DPYDD). Also called: DPD DEFICIENCY; DPYD DEFICIENCY; Hereditary Thymine-Uraciluria. Identifiers: Orphanet 1675, MedGen C1959620, MONDO:0010130, OMIM 274270.

Submissions (2):

Myriad Genetics, Inc.
Classification: Pathogenic for Dihydropyrimidine dehydrogenase deficiency. Last evaluated: 2024-05-08. Review status: criteria provided, single submitter. Criteria: Myriad Autosomal Dominant, Autosomal Recessive and X-Linked Classification Criteria (2023). Collection method: clinical testing. Allele origin: unknown.
Comment: NM_000110.3(DPYD):c.265A>T(K89*) is expected to be pathogenic in the context of dihydropyrimidine dehydrogenase deficiency. This variant is predicted to lead to an abnormal or absent protein product due to the creation of a premature termination codon in DPYD, a gene where loss-of-function variants are known to be pathogenic. Please note: this variant was assessed in the context of healthy population screening.

Diasio Lab,  Mayo Clinic
No classification provided. Review status: no classification provided. Collection method: not provided. Allele origin: unknown. Not counted in ClinVar's aggregate classification.

NM_000110.4(DPYD):c.265A>T (p.Lys89Ter)

Gene: DPYD (dihydropyrimidine dehydrogenase; minus strand). Cytogenetic location: 1p21.3.
Variant type: single nucleotide variant.
Coding change: c.265A>T on transcript NM_000110.4 (MANE Select); coding-DNA position 265, A replaced by T.
Protein change: p.Lys89Ter; replaces lysine 89 with a stop codon.
Molecular consequence: nonsense.
Genome position (GRCh38, 1-based): chr1:97,740,448, T>A on the plus strand (A>T on the coding strand, the complement: DPYD is on the minus strand). VCF-style: chr1-97740448-T-A. GRCh37 (hg19) VCF-style: chr1-98206004-T-A.
Other names: c.265A>T, p.Lys89Ter (NM_001160301.1); short protein forms K89*.
Identifiers: ClinVar variation 100119 (VCV000100119.2), dbSNP rs672601289, ClinGen allele CA228177.